The following is an entry in ClinVar:

NM_003024.3(ITSN1):c.1538C>T (p.Thr513Ile)

Gene: ITSN1 (intersectin 1; plus strand). Cytogenetic location: 21q22.11.
Variant type: single nucleotide variant.
Coding change: c.1538C>T on transcript NM_003024.3 (MANE Select); coding-DNA position 1538, C replaced by T.
Protein change: p.Thr513Ile; replaces threonine 513 with isoleucine.
Molecular consequence: missense variant.
Genome position (GRCh38, 1-based): chr21:33,775,050, C>T. VCF-style: chr21-33775050-C-T. GRCh37 (hg19) VCF-style: chr21-35147354-C-T.
Other names: c.1538C>T, p.Thr513Ile (NM_001001132.2, NM_001331008.2, NM_001331009.2 and 2 more transcripts); c.1427C>T, p.Thr476Ile (NM_001331012.2); short protein forms T476I, T513I.
Identifiers: ClinVar variation 3348664 (VCV003348664.1).

ClinVar aggregate classification (germline): Uncertain significance (0 of 4 stars; one submission).

Conditions:
ITSN1-related disorder. Also called: ITSN1-related condition.

gnomAD v4.1: 18 of 1,614,108 alleles (0.0011%); highest among the groups gnomAD compares: South Asian, 0.014%; no homozygotes.

Submission:

PreventionGenetics, part of Exact Sciences
Classification: Uncertain significance for ITSN1-related condition. Last evaluated: 2024-03-28. Review status: no assertion criteria provided. Collection method: clinical testing. Allele origin: germline.
Comment: The ITSN1 c.1538C>T variant is predicted to result in the amino acid substitution p.Thr513Ile. To our knowledge, this variant has not been reported in the literature. This variant is reported in 0.026% of alleles in individuals of South Asian descent in gnomAD. At this time, the clinical significance of this variant is uncertain due to the absence of conclusive functional and genetic evidence.